The following is an entry in ClinVar:

NM_005472.5(KCNE3):c.103C>T (p.Pro35Ser)

Gene: KCNE3 (potassium voltage-gated channel subfamily E regulatory subunit 3; minus strand). Cytogenetic location: 11q13.4.
Variant type: single nucleotide variant.
Coding change: c.103C>T on transcript NM_005472.5 (MANE Select); coding-DNA position 103, C replaced by T.
Protein change: p.Pro35Ser; replaces proline 35 with serine.
Molecular consequence: missense variant.
Genome position (GRCh38, 1-based): chr11:74,457,461, G>A on the plus strand (C>T on the coding strand, the complement: KCNE3 is on the minus strand). VCF-style: chr11-74457461-G-A. GRCh37 (hg19) VCF-style: chr11-74168506-G-A.
Other names: short protein forms P35S.
Identifiers: ClinVar variation 2073278 (VCV002073278.4), dbSNP rs1863848465, ClinGen allele CA381974060.
Genomic context (GRCh38, chr11:74,457,461, plus strand): 5'-CATCACGGCCAGGTAGGCTGGCCCGCCTCTCTTCAGTCTGGTTGTCTGGCCCCAGCCCTG[G>A]CCCTGGCCGGCAGAGCAAATTGCTGTGAAGAGTGGCATTTAGAGCCTTCAGCACGGCATG-3'
Protein context (NP_005463.1, residues 25-45): LHSNLLCRPG[Pro35Ser]GLGPDNQTEE

ClinVar aggregate classification (germline): Uncertain significance (1 of 4 stars; one submission).

Conditions:
Brugada syndrome 6 (BRGDA6). Identifiers: Orphanet 130, MedGen C2751089, MONDO:0013145, OMIM 613119.

Allele frequency attached by ClinVar (database versions not stated): TOPMed 0.00001; gnomAD exomes below 0.00001.
gnomAD v4.1: 2 of 1,614,114 alleles (0.00012%); highest among the groups gnomAD compares: Admixed American, 0.0033%; no homozygotes.

Submission:

Labcorp Genetics (formerly Invitae), Labcorp
Classification: Uncertain significance for Brugada syndrome 6. Last evaluated: 2022-09-23. Review status: criteria provided, single submitter. Criteria: Invitae Variant Classification Sherloc (09022015). Collection method: clinical testing. Allele origin: germline.
Comment: This sequence change replaces proline, which is neutral and non-polar, with serine, which is neutral and polar, at codon 35 of the KCNE3 protein (p.Pro35Ser). This variant is not present in population databases (gnomAD no frequency). This variant has not been reported in the literature in individuals affected with KCNE3-related conditions. Algorithms developed to predict the effect of missense changes on protein structure and function are either unavailable or do not agree on the potential impact of this missense change (SIFT: "Deleterious"; PolyPhen-2: "Possibly Damaging"; Align-GVGD: "Class C0"). In summary, the available evidence is currently insufficient to determine the role of this variant in disease. Therefore, it has been classified as a Variant of Uncertain Significance.